The following is an entry in ClinVar:

ClinVar aggregate classification (germline): Uncertain significance. Review status: criteria provided, single submitter (1 of 4 stars). 2 submissions from 2 submitters: Uncertain significance (1). 1 of the submissions does not count toward it. Last evaluated 2022-07-26.

Conditions:
VPS13A-related neurodegenerative disease. Also called: LEVINE-CRITCHLEY SYNDROME; Choreoacanthocytosis; ACANTHOCYTOSIS WITH NEUROLOGIC DISORDER; Chorea-acanthocytosis; Choreaacanthocytosis; VPS13A Disease. Identifiers: Orphanet 2388, MedGen C0393576, MONDO:0008695, OMIM 200150.

Allele frequency attached by ClinVar (database versions not stated): gnomAD exomes below 0.00001.
gnomAD v4.1: 1 of 1,612,128 alleles (0.000062%); highest among the groups gnomAD compares: Non-Finnish European, 0.000085%; no homozygotes.

Submissions (2):

Labcorp Genetics (formerly Invitae), Labcorp
Classification: Uncertain significance. Last evaluated: 2022-07-26. Review status: criteria provided, single submitter. Criteria: Invitae Variant Classification Sherloc (09022015). Collection method: clinical testing. Allele origin: germline.
Comment: This sequence change replaces serine, which is neutral and polar, with alanine, which is neutral and non-polar, at codon 1681 of the VPS13A protein (p.Ser1681Ala). This variant is present in population databases (no rsID available, gnomAD 0.0009%). This variant has not been reported in the literature in individuals affected with VPS13A-related conditions. ClinVar contains an entry for this variant (Variation ID: 1008028). Algorithms developed to predict the effect of missense changes on protein structure and function output the following: SIFT: "Tolerated"; PolyPhen-2: "Benign"; Align-GVGD: "Class C0". The alanine amino acid residue is found in multiple mammalian species, which suggests that this missense change does not adversely affect protein function. In summary, the available evidence is currently insufficient to determine the role of this variant in disease. Therefore, it has been classified as a Variant of Uncertain Significance.

Natera, Inc.
Classification: Uncertain significance for Choreaacanthocytosis. Last evaluated: 2021-03-24. Review status: no assertion criteria provided. Collection method: clinical testing. Allele origin: germline. Not counted in ClinVar's aggregate classification.

NM_033305.3(VPS13A):c.5041T>G (p.Ser1681Ala)

Gene: VPS13A (vacuolar protein sorting 13 homolog A; plus strand). Cytogenetic location: 9q21.2.
Variant type: single nucleotide variant.
Coding change: c.5041T>G on transcript NM_033305.3 (MANE Select); coding-DNA position 5041, T replaced by G.
Protein change: p.Ser1681Ala; replaces serine 1681 with alanine.
Molecular consequence: missense variant.
Genome position (GRCh38, 1-based): chr9:77,318,319, T>G. VCF-style: chr9-77318319-T-G. GRCh37 (hg19) VCF-style: chr9-79933235-T-G.
Other names: c.5041T>G, p.Ser1681Ala (NM_015186.4, NM_001018038.3); c.4924T>G, p.Ser1642Ala (NM_001018037.2); short protein forms S1642A, S1681A.
Identifiers: ClinVar variation 1008028 (VCV001008028.9), dbSNP rs1181531896, ClinGen allele CA373859428.